The following is an entry in ClinVar:

NM_003716.4(CADPS):c.3865C>G (p.Leu1289Val)

Gene: CADPS (calcium dependent secretion activator; minus strand). Cytogenetic location: 3p14.2.
Variant type: single nucleotide variant.
Coding change: c.3865C>G on transcript NM_003716.4 (MANE Select); coding-DNA position 3865, C replaced by G.
Protein change: p.Leu1289Val; replaces leucine 1289 with valine.
Molecular consequence: missense variant.
Genome position (GRCh38, 1-based): chr3:62,403,098, G>C on the plus strand (C>G on the coding strand, the complement: CADPS is on the minus strand). VCF-style: chr3-62403098-G-C. GRCh37 (hg19) VCF-style: chr3-62388773-G-C.
Other names: c.3628C>G, p.Leu1210Val (NM_183393.3); c.3748C>G, p.Leu1250Val (NM_183394.3); short protein forms L1210V, L1250V, L1289V.
Identifiers: ClinVar variation 3346905 (VCV003346905.1).

ClinVar aggregate classification (germline): Uncertain significance (0 of 4 stars; one submission).

Conditions:
CADPS-related disorder. Also called: CADPS-related condition.

gnomAD v4.1: 1 of 1,602,480 alleles (0.000062%); highest among the groups gnomAD compares: Non-Finnish European, 0.000085%; no homozygotes.

Submission:

PreventionGenetics, part of Exact Sciences
Classification: Uncertain significance for CADPS-related condition. Last evaluated: 2024-06-06. Review status: no assertion criteria provided. Collection method: clinical testing. Allele origin: germline.
Comment: The CADPS c.3865C>G variant is predicted to result in the amino acid substitution p.Leu1289Val. To our knowledge, this variant has not been reported in the literature or in a large population database, indicating this variant is rare. At this time, the clinical significance of this variant is uncertain due to the absence of conclusive functional and genetic evidence.